The following is an entry in ClinVar:

NM_020928.2(ZSWIM6):c.1627T>G (p.Tyr543Asp)

Gene: ZSWIM6 (zinc finger SWIM-type containing 6; plus strand). Cytogenetic location: 5q12.1.
Variant type: single nucleotide variant.
Coding change: c.1627T>G on transcript NM_020928.2 (MANE Select); coding-DNA position 1627, T replaced by G.
Protein change: p.Tyr543Asp; replaces tyrosine 543 with aspartic acid.
Molecular consequence: missense variant.
Genome position (GRCh38, 1-based): chr5:61,525,913, T>G. VCF-style: chr5-61525913-T-G. GRCh37 (hg19) VCF-style: chr5-60821740-T-G.
Other names: short protein forms Y543D.
Identifiers: ClinVar variation 4527768 (VCV004527768.1).

ClinVar aggregate classification (germline): Uncertain significance (1 of 4 stars; one submission).

Submission:

GeneDx
Classification: Uncertain significance. Last evaluated: 2025-04-25. Review status: criteria provided, single submitter. Criteria: GeneDx Variant Classification Process June 2021. Collection method: clinical testing. Allele origin: germline. Affected: yes.
Comment: Not observed at significant frequency in large population cohorts (gnomAD); In silico analysis indicates that this missense variant does not alter protein structure/function; Has not been previously published as pathogenic or benign to our knowledge